The following is an entry in ClinVar:

ClinVar aggregate classification (germline): Uncertain significance (1 of 4 stars; one submission).

gnomAD v4.1: 12 of 1,544,814 alleles (0.00078%); highest among the groups gnomAD compares: African/African-American, 0.0014%; no homozygotes.

Submission:

Ambry Genetics
Classification: Uncertain significance. Last evaluated: 2025-06-02. Review status: criteria provided, single submitter. Criteria: Ambry Variant Classification Scheme 2023. Collection method: clinical testing. Allele origin: germline.
Comment: The p.L358P variant (also known as c.1073T>C), located in coding exon 8 of the RNF43 gene, results from a T to C substitution at nucleotide position 1073. The leucine at codon 358 is replaced by proline, an amino acid with similar properties. This amino acid position is conserved. In addition, this alteration is predicted to be tolerated by in silico analysis. Based on the available evidence, the clinical significance of this variant remains unclear.

NM_017763.6(RNF43):c.1073T>C (p.Leu358Pro)

Gene: RNF43 (ring finger protein 43; minus strand). Cytogenetic location: 17q22.
Variant type: single nucleotide variant.
Coding change: c.1073T>C on transcript NM_017763.6 (MANE Select); coding-DNA position 1073, T replaced by C.
Protein change: p.Leu358Pro; replaces leucine 358 with proline.
Molecular consequence: missense variant.
Genome position (GRCh38, 1-based): chr17:58,358,703, A>G on the plus strand (T>C on the coding strand, the complement: RNF43 is on the minus strand). VCF-style: chr17-58358703-A-G. GRCh37 (hg19) VCF-style: chr17-56436064-A-G.
Other names: c.1073T>C, p.Leu358Pro (NM_001305544.3); c.692T>C, p.Leu231Pro (NM_001305545.2); short protein forms L231P, L358P.
Identifiers: ClinVar variation 3946929 (VCV003946929.1).